The following is an entry in ClinVar:

ClinVar aggregate classification (germline): Conflicting classifications of pathogenicity. Review status: criteria provided, conflicting classifications (1 of 4 stars). 2 submissions from 2 submitters: Likely pathogenic (1); Uncertain significance (1). Last evaluated 2023-02-13.

Conditions:
Hereditary cancer-predisposing syndrome. Also called: Tumor predisposition; Neoplastic Syndromes, Hereditary; Hereditary Cancer Syndrome; Hereditary neoplastic syndrome. Identifiers: Orphanet 140162, MedGen C0027672, MeSH D009386, MONDO:0015356.
Cardiovascular phenotype. Identifiers: MedGen CN230736.
Neurofibromatosis, type 1 (NF1). Also called: VON RECKLINGHAUSEN DISEASE; NEUROFIBROMATOSIS, TYPE I, SOMATIC; Peripheral type neurofibromatosis; Neurofibromatosis, type I. Identifiers: Orphanet 636, MedGen C0027831, MONDO:0018975, OMIM 162200. Disease mechanism: loss of function.

Submissions (2):

Ambry Genetics
Classification: Uncertain significance for Cardiovascular phenotype; Hereditary cancer-predisposing syndrome. Last evaluated: 2023-02-13. Review status: criteria provided, single submitter. Criteria: Ambry Variant Classification Scheme 2023. Collection method: clinical testing. Allele origin: germline.
Comment: The c.1720A>G variant (also known as p.S574G), located in coding exon 15 of the NF1 gene, results from an A to G substitution at nucleotide position 1720. The serine at codon 574 is replaced by glycine, an amino acid with similar properties. This alteration has been identified in multiple individuals with a suspected or clinical diagnosis of neurofibromatosis type 1 (Lee MJ et al. Hum Mutat, 2006 Aug;27:832; Xu W et al. Int J Mol Med, 2014 Jul;34:53-60). This nucleotide position is highly conserved in available vertebrate species. In silico splice site analysis for this alteration is inconclusive; however, direct evidence is insufficient at this time (Ambry internal data). Since supporting evidence is limited at this time, the clinical significance of this alteration remains unclear.

Labcorp Genetics (formerly Invitae), Labcorp
Classification: Likely pathogenic for Neurofibromatosis, type 1. Last evaluated: 2022-04-17. Review status: criteria provided, single submitter. Criteria: Invitae Variant Classification Sherloc (09022015). Collection method: clinical testing. Allele origin: germline.
Comment: In summary, the currently available evidence indicates that the variant is pathogenic, but additional data are needed to prove that conclusively. Therefore, this variant has been classified as Likely Pathogenic. Studies have shown that this missense change is associated with altered splicing resulting in unknown protein product impact (PMID: 24789688). Algorithms developed to predict the effect of missense changes on protein structure and function (SIFT, PolyPhen-2, Align-GVGD) all suggest that this variant is likely to be tolerated. This missense change has been observed in individual(s) with clinical features of neurofibromatosis type 1 (PMID: 16835897, 24789688). This variant is not present in population databases (gnomAD no frequency). This sequence change replaces serine, which is neutral and polar, with glycine, which is neutral and non-polar, at codon 574 of the NF1 protein (p.Ser574Gly).

Literature cited by the submitters: PubMed 24789688 (cited by Labcorp Genetics (formerly Invitae), Labcorp); PubMed 16835897 (cited by Labcorp Genetics (formerly Invitae), Labcorp).

NM_001042492.3(NF1):c.1720A>G (p.Ser574Gly)

Gene: NF1 (neurofibromin 1; plus strand). Cytogenetic location: 17q11.2.
Variant type: single nucleotide variant.
Coding change: c.1720A>G on transcript NM_001042492.3 (MANE Select); coding-DNA position 1720, A replaced by G.
Protein change: p.Ser574Gly; replaces serine 574 with glycine.
Molecular consequence: missense variant.
Genome position (GRCh38, 1-based): chr17:31,221,928, A>G. VCF-style: chr17-31221928-A-G. GRCh37 (hg19) VCF-style: chr17-29548946-A-G.
Other names: c.1720A>G, p.Ser574Gly (NM_000267.4); c.1720A>G, p.Arg574Gly (NM_001128147.3); short protein forms S574G, R574G.
Identifiers: ClinVar variation 1778746 (VCV001778746.8), dbSNP rs2066929440, ClinGen allele CA399002386.